The following is an entry in ClinVar:

NM_001159699.2(FHL1):c.890A>T (p.Ter297Leu)

Gene: FHL1 (four and a half LIM domains 1; plus strand). Cytogenetic location: Xq26.3.
Variant type: single nucleotide variant.
Coding change: c.890A>T on transcript NM_001159699.2 (MANE Select); coding-DNA position 890, A replaced by T.
Protein change: p.Ter297Leu.
Molecular consequence: stop lost. On other transcripts: 3 prime UTR variant (7), non-coding transcript variant (1).
Genome position (GRCh38, 1-based): chrX:136,210,024, A>T. VCF-style: chrX-136210024-A-T. GRCh37 (hg19) VCF-style: chrX-135292183-A-T.
Other names: c.842A>T, p.Ter281Leu (NM_001159700.2, NM_001159704.1, NM_001167819.1 and 4 more transcripts); c.929A>T, p.Ter310Leu (NM_001159701.2); c.*70A>T (NM_001159702.3, NM_001159703.2, NM_001330659.2 and 4 more transcripts).
Identifiers: ClinVar variation 4732874 (VCV004732874.1).

ClinVar aggregate classification (germline): Uncertain significance (1 of 4 stars; one submission).

Conditions:
X-linked myopathy with postural muscle atrophy. Also called: FHL1-Related Emery-Dreifuss Muscular Dystrophy, X-Linked. Identifiers: Orphanet 178461, MedGen C2678055, MONDO:0010401, OMIM 300696.

Submission:

Labcorp Genetics (formerly Invitae), Labcorp
Classification: Uncertain significance for X-linked myopathy with postural muscle atrophy. Last evaluated: 2025-12-09. Review status: criteria provided, single submitter. Criteria: Invitae Variant Classification Sherloc (09022015). Collection method: clinical testing. Allele origin: germline.
Comment: This sequence change disrupts the translational stop signal of the FHL1 mRNA. It is expected to extend the length of the FHL1 protein by 52 additional amino acid residues. This variant is not present in population databases (gnomAD no frequency). This variant has not been reported in the literature in individuals affected with FHL1-related conditions. This variant results in an extension of the FHL1 protein. Other variant(s) that result in a similarly extended protein product (p.*281Gluext*52) have been observed in individuals with FHL1-related disease (PMID: 19716112). This suggests that these extensions may be clinically significant. In summary, the available evidence is currently insufficient to determine the role of this variant in disease. Therefore, it has been classified as a Variant of Uncertain Significance.

Literature cited by the submitters: PubMed 19716112.